The following is an entry in ClinVar:

NM_001042492.3(NF1):c.7956dup (p.Val2653fs)

Gene: NF1 (neurofibromin 1; plus strand). Cytogenetic location: 17q11.2.
Variant type: Duplication.
Coding change: c.7956dup on transcript NM_001042492.3 (MANE Select); coding-DNA position 7956, one base duplicated (A; older notation c.7956dupA).
Protein change: p.Val2653fs; shifts the reading frame from valine 2653.
Molecular consequence: frameshift variant.
Genome position (GRCh38, 1-based): chr17:31,357,355, A duplicated; the last of 3 consecutive A bases (chr17:31,357,353-31,357,355); duplicating any one gives the same sequence. VCF-style (leftmost placement, unchanged base first): chr17-31357352-C-CA. GRCh37 (hg19) VCF-style: chr17-29684370-C-CA.
Other names: c.7893dupA (NM_000267.3); c.7893dup, p.Val2632Serfs (NM_000267.4); short protein forms V2632fs, V2653fs.
Identifiers: ClinVar variation 457861 (VCV000457861.5), dbSNP rs1555536765, ClinGen allele CA658658606.
Genomic context (GRCh38, chr17:31,357,352, plus strand): 5'-AGATGAGTTTGATCAACGAATTCTTTATGAATACTTAGCAGAGGCCAGTGTTGTGTTTCC[C>CA]AAAGTCTTTCCTGTTGTGTAAGTATCTCCTTTTGATTTTAATTCACCTTCGTGCCTGTCT-3'

ClinVar aggregate classification (germline): Pathogenic (1 of 4 stars; one submission).

Conditions:
Neurofibromatosis, type 1 (NF1). Also called: VON RECKLINGHAUSEN DISEASE; NEUROFIBROMATOSIS, TYPE I, SOMATIC; Peripheral type neurofibromatosis; Neurofibromatosis, type I. Identifiers: Orphanet 636, MedGen C0027831, MONDO:0018975, OMIM 162200. Disease mechanism: loss of function.

Submission:

Labcorp Genetics (formerly Invitae), Labcorp
Classification: Pathogenic for Neurofibromatosis, type 1. Last evaluated: 2017-06-08. Review status: criteria provided, single submitter. Criteria: Invitae Variant Classification Sherloc (09022015). Collection method: clinical testing. Allele origin: germline.
Comment: For these reasons, this variant has been classified as Pathogenic. Loss-of-function variants in NF1 are known to be pathogenic (PMID: 10712197, 23913538). This variant has been reported in an individual affected with neurofibromatosis, type 1 in the Leiden Open-source Variation Database (PMID: 21520333). This variant is not present in population databases (ExAC no frequency). This sequence change creates a premature translational stop signal (p.Val2632Serfs*7) in the NF1 gene. It is expected to result in an absent or disrupted protein product.

Literature cited by the submitters: PubMed 10712197; PubMed 23913538; PubMed 21520333.